The following is an entry in ClinVar:

NM_002018.4(FLII):c.3718C>T (p.Arg1240Cys)

Gene: FLII (FLII actin remodeling protein; minus strand). Cytogenetic location: 17p11.2.
Variant type: single nucleotide variant.
Coding change: c.3718C>T on transcript NM_002018.4 (MANE Select); coding-DNA position 3718, C replaced by T.
Protein change: p.Arg1240Cys; replaces arginine 1240 with cysteine.
Molecular consequence: missense variant.
Genome position (GRCh38, 1-based): chr17:18,245,230, G>A on the plus strand (C>T on the coding strand, the complement: FLII is on the minus strand). VCF-style: chr17-18245230-G-A. GRCh37 (hg19) VCF-style: chr17-18148544-G-A.
Other names: c.3685C>T, p.Arg1229Cys (NM_001256264.2); c.3553C>T, p.Arg1185Cys (NM_001256265.2); short protein forms R1185C, R1229C, R1240C.
Identifiers: ClinVar variation 1699194 (VCV001699194.3), dbSNP rs563225941, ClinGen allele CA8427509.

ClinVar aggregate classification (germline): Likely pathogenic. Review status: criteria provided, single submitter (1 of 4 stars). 2 submissions from 2 submitters: Likely pathogenic (1). 1 of the submissions does not count toward it. Last evaluated 2021-05-06.

Conditions:
Cardiomyopathy, dilated, 2j. Identifiers: MedGen C5882725, MONDO:0957984, OMIM 620635.
Primary dilated cardiomyopathy (DCM). Also called: Dilated Cardiomyopathy. Identifiers: Orphanet 217604, MedGen C0007193, MeSH D002311, MONDO:0005021, HP:0001644. Inheritance: Various modes of inheritance.

Allele frequency attached by ClinVar (database versions not stated): 1000 Genomes Project 30x 0.00016; 1000 Genomes Project 0.00020; ExAC 0.00003; gnomAD exomes 0.00004; gnomAD 0.00006; TOPMed 0.00002.
gnomAD v4.1: 35 of 1,613,894 alleles (0.0022%); highest among the groups gnomAD compares: East Asian, 0.033%; no homozygotes.

Submissions (2):

Victorian Clinical Genetics Services, Murdoch Childrens Research Institute
Classification: Likely pathogenic for Primary dilated cardiomyopathy. Last evaluated: 2021-05-06. Review status: criteria provided, single submitter. Criteria: ACMG Guidelines, 2015. Collection method: clinical testing. Allele origin: germline. Inheritance: Autosomal recessive inheritance. Affected: yes.
Comment: Based on the classification scheme VCGS_Germline_v1.3.4, this variant is classified as Likely pathogenic. Following criteria are met: 0102 - Loss of function is a likely mechanism of disease in this gene and is associated with childhood onset dilated cardiomyopathy (PMID: 32870709). (I) 0106 - This gene is associated with autosomal recessive disease. (I) 0200 - Variant is predicted to result in a missense amino acid change from arginine to cysteine. (I) 0252 - This variant is homozygous. (I) 0304 - Variant is present in gnomAD (v2) <0.01 for a recessive condition (16 heterozygotes, 0 homozygotes). (SP) 0309 - An alternative amino acid change at the same position has been observed in gnomAD (v2) (1 heterozygote, 0 homozygotes). (I) 0501 - Missense variant consistently predicted to be damaging by multiple in silico tools or highly conserved with a major amino acid change. (SP) 0601 - Variant is located in the well-established functional gelsolin_S6_like domain (NCBI, PMID: 10862770, PMID: 20661277). (SP) 0705 - No comparable missense variants have previous evidence for pathogenicity. (I) 0803 - This variant has limited previous evidence of pathogenicity in an unrelated individual. This variant has been observed in a single homozygous individual with dilated cardiomyopathy (PMID: 32870709). (SP) 0905 - No published segregation evidence has been identified for this variant. (I) 1007 - No published functional evidence has been identified for this variant. (I) Legend: (SP) - Supporting pathogenic, (I) - Information, (SB) - Supporting benign

OMIM
Classification: Pathogenic for CARDIOMYOPATHY, DILATED, 2J. Last evaluated: 2023-11-28. Review status: no assertion criteria provided. Collection method: literature only. Allele origin: germline. Not counted in ClinVar's aggregate classification.

Literature cited by the submitters: PubMed 10862770 (cited by Victorian Clinical Genetics Services, Murdoch Childrens Research Institute); PubMed 20661277 (cited by Victorian Clinical Genetics Services, Murdoch Childrens Research Institute); PubMed 32870709 (cited by Victorian Clinical Genetics Services, Murdoch Childrens Research Institute and OMIM); PubMed 37561591 (cited by OMIM).